The following is an entry in ClinVar:

ClinVar aggregate classification (germline): Conflicting classifications of pathogenicity. Review status: criteria provided, conflicting classifications (1 of 4 stars). 3 submissions from 3 submitters: Uncertain significance (2); Likely benign (1). Last evaluated 2026-06-15.

Conditions:
TTN-related disorder. Also called: TTN-related condition; TTN-related disease; TTN-related disorders.

Submissions (3):

PreventionGenetics, part of Exact Sciences
Classification: Uncertain significance for TTN-related condition. Last evaluated: 2026-06-15. Review status: criteria provided, single submitter. Criteria: ACMG Guidelines, 2015. Collection method: clinical testing. Allele origin: germline.
Comment: The TTN c.36494_36514del21 variant is predicted to result in an in-frame deletion (p.Val12165_Pro12171del). To our knowledge, this variant has not been reported in the literature or in a large population database (gnomAD), indicating this variant is rare. At this time, the clinical significance of this variant is uncertain due to the absence of conclusive functional and genetic evidence.

ARUP Laboratories, Molecular Genetics and Genomics, ARUP Laboratories
Classification: Uncertain significance. Last evaluated: 2025-04-03. Review status: criteria provided, single submitter. Criteria: ARUP Molecular Germline Variant Investigation Process 2024. Collection method: clinical testing. Allele origin: germline.
Comment: The TTN c.36494_36514del; p.Val12165_Pro12171del, to our knowledge, is not reported in the medical literature or gene specific databases. This variant is also absent from the Genome Aggregation Database (v2.1.1), indicating it is not a common polymorphism. This variant deletes six amino acid residues, leaving the rest of the protein in-frame, although it occurs in an exon spliced into only 1-5 percent of transcripts. Due to limited information, the clinical significance of this variant is uncertain at this time.

Blueprint Genetics
Classification: Likely benign. Last evaluated: 2024-10-23. Review status: criteria provided, single submitter. Criteria: ACMG Guidelines, 2015. Collection method: clinical testing. Allele origin: germline.

NM_001267550.2(TTN):c.36494_36514del (p.Val12165_Pro12171del)

Gene: TTN (titin; minus strand). Cytogenetic location: 2q31.2.
Variant type: Deletion.
Coding change: c.36494_36514del on transcript NM_001267550.2 (MANE Select); coding-DNA positions 36494 to 36514, 21 bases deleted (TGGCTCCTCCTAAAGAGCCTG).
Protein change: p.Val12165_Pro12171del.
Molecular consequence: inframe deletion. On other transcripts: intron variant (5).
Genome position (GRCh38, 1-based): chr2:178,663,645-178,663,665, CAGGCTCTTTAGGAGGAGCCA deleted on the plus strand (TGGCTCCTCCTAAAGAGCCTG on the coding strand, the reverse complement: TTN is on the minus strand); deleting any 21 consecutive bases within chr2:178,663,645-178,663,666 gives the same sequence; the c. name uses the placement nearest the transcript's 3' end. VCF-style (leftmost placement, unchanged base first): chr2-178663644-TCAGGCTCTTTAGGAGGAGCCA-T. GRCh37 (hg19) VCF-style: chr2-179528371-TCAGGCTCTTTAGGAGGAGCCA-T.
Other names: c.36494_36514del21 (NM_001267550.2); c.13283-21348_13283-21328del (NM_003319.4); c.13859-21348_13859-21328del (NM_133437.4); c.13658-21348_13658-21328del (NM_133432.3); c.31484-610_31484-590del (NM_133378.4); c.34265-610_34265-590del (NM_001256850.1).
Identifiers: ClinVar variation 4685728 (VCV004685728.3).